The following is an entry in ClinVar:

ClinVar aggregate classification (germline): Uncertain significance (1 of 4 stars; one submission).

Conditions:
Hereditary spastic paraplegia 63. Also called: Spastic paraplegia 63, autosomal recessive. Identifiers: Orphanet 401805, MedGen C3810295, MONDO:0014305, OMIM 615686.

gnomAD v4.1: 2 of 1,614,120 alleles (0.00012%); highest among the groups gnomAD compares: East Asian, 0.0022%; no homozygotes.

Submission:

Kariminejad - Najmabadi Pathology & Genetics Center
Classification: Uncertain significance for Hereditary spastic paraplegia 63. Last evaluated: 2023-07-13. Review status: criteria provided, single submitter. Criteria: ACMG Guidelines, 2015. Collection method: clinical testing. Allele origin: germline. Inheritance: Autosomal recessive inheritance. Affected: yes.
Comment: PM2-PP3

NM_001368809.2(AMPD2):c.2288G>C (p.Gly763Ala)

Gene: AMPD2 (adenosine monophosphate deaminase 2; plus strand). Cytogenetic location: 1p13.3.
Variant type: single nucleotide variant.
Coding change: c.2288G>C on transcript NM_001368809.2 (MANE Select); coding-DNA position 2288, G replaced by C.
Protein change: p.Gly763Ala; replaces glycine 763 with alanine.
Molecular consequence: missense variant.
Genome position (GRCh38, 1-based): chr1:109,630,962, G>C. VCF-style: chr1-109630962-G-C. GRCh37 (hg19) VCF-style: chr1-110173584-G-C.
Other names: c.2096G>C, p.Gly699Ala (NM_001257361.2); c.2225G>C, p.Gly742Ala (NM_001308170.1); c.2288G>C, p.Gly763Ala (NM_004037.9); c.2207G>C, p.Gly736Ala (NM_139156.4); short protein forms G699A, G736A, G742A, G763A.
Identifiers: ClinVar variation 3896776 (VCV003896776.1).
Genomic context (GRCh38, chr1:109,630,962, plus strand): 5'-GCACTGGCTGCAGCCCTGCCCATTACCCCCGCTCCTTGCAGGTAAAGAGCCACTGGCTGG[G>C]ACCCAACTATACCAAGGAAGGCCCTGAGGGGAATGACATCCGCCGGACCAATGTGCCAGA-3'
Protein context (NP_001355738.1, residues 753-773): FSHKVKSHWL[Gly763Ala]PNYTKEGPEG